The following is an entry in ClinVar:

ClinVar aggregate classification (germline): Uncertain significance (1 of 4 stars; one submission).

Submission:

GeneDx
Classification: Uncertain significance. Last evaluated: 2023-07-28. Review status: criteria provided, single submitter. Criteria: GeneDx Variant Classification Process June 2021. Collection method: clinical testing. Allele origin: germline. Affected: yes.
Comment: Not observed at significant frequency in large population cohorts (gnomAD); In silico analysis supports that this missense variant does not alter protein structure/function; Missense variants in this gene are often considered pathogenic (HGMD); Has not been previously published as pathogenic or benign to our knowledge

NM_001614.5(ACTG1):c.149A>G (p.Lys50Arg)

Gene: ACTG1 (actin gamma 1; minus strand). Cytogenetic location: 17q25.3.
Variant type: single nucleotide variant.
Coding change: c.149A>G on transcript NM_001614.5 (MANE Select); coding-DNA position 149, A replaced by G.
Protein change: p.Lys50Arg; replaces lysine 50 with arginine.
Molecular consequence: missense variant. On other transcripts: non-coding transcript variant (1).
Genome position (GRCh38, 1-based): chr17:81,512,117, T>C on the plus strand (A>G on the coding strand, the complement: ACTG1 is on the minus strand). VCF-style: chr17-81512117-T-C. GRCh37 (hg19) VCF-style: chr17-79479143-T-C.
Other names: c.149A>G, p.Lys50Arg (NM_001199954.3); short protein forms K50R.
Identifiers: ClinVar variation 3361436 (VCV003361436.1).